The following is an entry in ClinVar:

ClinVar aggregate classification (germline): Uncertain significance (1 of 4 stars; one submission).

Conditions:
Inborn genetic diseases. Identifiers: MedGen C0950123, MeSH D030342.

gnomAD v4.1: 2 of 1,613,992 alleles (0.00012%); highest among the groups gnomAD compares: Middle Eastern, 0.033%; no homozygotes.

Submission:

Ambry Genetics
Classification: Uncertain significance for Inborn genetic diseases. Last evaluated: 2025-03-29. Review status: criteria provided, single submitter. Criteria: Ambry Variant Classification Scheme 2023. Collection method: clinical testing. Allele origin: germline.
Comment: The p.K73N variant (also known as c.219A>T), located in coding exon 2 of the ERCC6L2 gene, results from an A to T substitution at nucleotide position 219. The lysine at codon 73 is replaced by asparagine, an amino acid with similar properties. This amino acid position is conserved. In addition, this alteration is predicted to be tolerated by in silico analysis. Based on the available evidence, the clinical significance of this variant remains unclear.

NM_020207.7(ERCC6L2):c.219A>T (p.Lys73Asn)

Gene: ERCC6L2 (ERCC excision repair 6 like 2; plus strand). Cytogenetic location: 9q22.32.
Variant type: single nucleotide variant.
Coding change: c.219A>T on transcript NM_020207.7 (MANE Select); coding-DNA position 219, A replaced by T.
Protein change: p.Lys73Asn; replaces lysine 73 with asparagine.
Molecular consequence: missense variant. On other transcripts: non-coding transcript variant (1).
Genome position (GRCh38, 1-based): chr9:95,881,041, A>T. VCF-style: chr9-95881041-A-T. GRCh37 (hg19) VCF-style: chr9-98643323-A-T.
Other names: c.219A>T, p.Lys73Asn (NM_001010895.4, NM_001375291.1, NM_001375292.1 and 2 more transcripts); short protein forms K73N.
Identifiers: ClinVar variation 4019280 (VCV004019280.1).